The following continues an entry in ClinVar:

NM_000051.4(ATM):c.6860G>A (p.Gly2287Glu)

ClinVar aggregate classification (germline): Conflicting classifications of pathogenicity. Uncertain significance (14); Likely benign (2).

Submissions 16 to 19 of 19:

Illumina Laboratory Services, Illumina
Classification: Uncertain significance for Ataxia-telangiectasia syndrome. Last evaluated: 2017-04-27. Review status: criteria provided, single submitter. Criteria: ICSL Variant Classification Criteria 13 December 2019. Collection method: clinical testing. Allele origin: germline.
Comment: This variant was observed as part of a predisposition screen in an ostensibly healthy population. A literature search was performed for the gene, cDNA change, and amino acid change (where applicable). Publications were found based on this search. However, the evidence from the literature, in combination with allele frequency data from public databases where available, was not sufficient to rule this variant in or out of causing disease. Therefore, this variant is classified as a variant of unknown significance.

Natera, Inc.
Classification: Uncertain significance for Ataxia-telangiectasia. Last evaluated: 2020-09-16. Review status: no assertion criteria provided. Collection method: clinical testing. Allele origin: germline. Not counted in ClinVar's aggregate classification.

Counsyl
Classification: Uncertain significance for Ataxia-telangiectasia syndrome. Last evaluated: 2018-04-29. Review status: no assertion criteria provided. Collection method: clinical testing. Allele origin: unknown. Not counted in ClinVar's aggregate classification.

Department of Pathology and Laboratory Medicine, Sinai Health System
Classification: Uncertain significance for Malignant tumor of breast. Review status: no assertion criteria provided. Collection method: clinical testing. Allele origin: unknown. Affected: yes. Study: The Canadian Open Genetics Repository (COGR). Not counted in ClinVar's aggregate classification.
Comment: The ATM p.Gly2287Glu variant was identified in 1 of 2116 proband chromosomes (frequency: 0.0005) from individuals or families with colorectal cancer (Yurgelun 2017). The variant was also identified in dbSNP (ID: rs1800061) as "With Uncertain significance allele", ClinVar (classified as uncertain significance by Invitae, Ambry Genetics, GeneDx, and two other submitters). The variant was not identified in LOVD 3.0. The variant was identified in control databases in 7 of 245976 chromosomes at a frequency of 0.00003 (Genome Aggregation Database Feb 27, 2017). The variant was observed in the European population in 7 of 111490 chromosomes (freq: 0.00006), while the variant was not observed in the African, Other, Latino, Ashkenazi Jewish, East Asian, Finnish, and South Asian populations. The p.Gly2287 residue is conserved in mammals and computational analyses (PolyPhen-2, SIFT, AlignGVGD, BLOSUM, MutationTaster) provide inconsistent predictions regarding the impact to the protein; this information is not very predictive of pathogenicity. The variant occurs outside of the splicing consensus sequence and in silico or computational prediction software programs (SpliceSiteFinder, MaxEntScan, NNSPLICE, GeneSplicer) do not predict a difference in splicing. In summary, based on the above information the clinical significance of this variant cannot be determined with certainty at this time. This variant is classified as a variant of uncertain significance.

Literature cited by the submitters: PubMed 28135145 (cited by 4 submitters); PubMed 28338653 (cited by Color Diagnostics, LLC DBA Color Health and Ambry Genetics); PubMed 33471991 (cited by Color Diagnostics, LLC DBA Color Health); PubMed 29522266 (cited by Ambry Genetics); PubMed 32658311 (cited by Ambry Genetics); PubMed 32885271 (cited by Ambry Genetics); PubMed 26689913 (cited by Women's Health and Genetics/Laboratory Corporation of America, LabCorp); PubMed 22529920 (cited by Illumina Laboratory Services, Illumina); PubMed 19781682 (cited by Illumina Laboratory Services, Illumina); PubMed 11606401 (cited by Illumina Laboratory Services, Illumina).